The following is an entry in ClinVar:

NM_178012.5(TUBB2B):c.1138C>T (p.Arg380Cys)

Gene: TUBB2B (tubulin beta 2B class IIb; minus strand). Cytogenetic location: 6p25.2.
Variant type: single nucleotide variant.
Coding change: c.1138C>T on transcript NM_178012.5 (MANE Select); coding-DNA position 1138, C replaced by T.
Protein change: p.Arg380Cys; replaces arginine 380 with cysteine.
Molecular consequence: missense variant.
Genome position (GRCh38, 1-based): chr6:3,224,951, G>A on the plus strand (C>T on the coding strand, the complement: TUBB2B is on the minus strand). VCF-style: chr6-3224951-G-A. GRCh37 (hg19) VCF-style: chr6-3225185-G-A.
Other names: short protein forms R380C.
Identifiers: ClinVar variation 1214258 (VCV001214258.10), dbSNP rs1757271243, ClinGen allele CA362585259.

ClinVar aggregate classification (germline): Pathogenic. Review status: criteria provided, multiple submitters, no conflicts (2 of 4 stars). 4 submissions from 4 submitters: Pathogenic (4). Last evaluated 2025-03-24.

Conditions:
Complex cortical dysplasia with other brain malformations 7. Identifiers: Orphanet 300573, MedGen C3552236, MONDO:0012399, OMIM 610031.

Allele frequency attached by ClinVar (database versions not stated): TOPMed below 0.00001.

Submissions (4):

3billion
Classification: Pathogenic for Complex cortical dysplasia with other brain malformations 7. Last evaluated: 2025-03-24. Review status: criteria provided, single submitter. Criteria: ACMG Guidelines, 2015. Collection method: clinical testing. Allele origin: germline. Affected: yes.
Comment: The variant is not observed in the gnomAD v4.1.0 dataset. Predicted Consequence/Location: Missense variant. Missense changes are a common disease-causing mechanism. In silico tool predictions suggest damaging effect of the variant on gene or gene product [REVEL: 0.88 (>=0.6, sensitivity 0.68 and specificity 0.92); 3Cnet: 0.85 (> 0.75, sensitivity 0.96 and precision 0.92)]. The same nucleotide change resulting in the same amino acid change has been previously reported as pathogenic/likely pathogenic with strong evidence (ClinVar ID: VCV001214258 / PMID: 23361065). Different missense changes at the same codon (p.Arg380His, p.Arg380Leu, p.Arg380Pro, p.Arg380Ser) have been reported as pathogenic/likely pathogenic with strong evidence (ClinVar ID: VCV000160177, VCV002498169, VCV003348296 / PMID: 23361065, 23495813, 25140959).

GeneDx
Classification: Pathogenic. Last evaluated: 2024-08-12. Review status: criteria provided, single submitter. Criteria: GeneDx Variant Classification Process June 2021. Collection method: clinical testing. Allele origin: germline. Affected: yes.
Comment: Missense variants in this gene are a common cause of disease and they are underrepresented in the general population; In silico analysis supports that this missense variant has a deleterious effect on protein structure/function; Not observed at significant frequency in large population cohorts (gnomAD); This variant is associated with the following publications: (PMID: 23361065, 23727838, 32169460, 28677066)

Mendelics
Classification: Pathogenic for Complex cortical dysplasia with other brain malformations 7. Last evaluated: 2022-05-04. Review status: criteria provided, single submitter. Criteria: Mendelics Assertion Criteria 2019. Collection method: clinical testing. Allele origin: germline.

Genetic Services Laboratory, University of Chicago
Classification: Pathogenic. Last evaluated: 2018-02-01. Review status: criteria provided, single submitter. Criteria: ACMG Guidelines, 2015. Collection method: clinical testing. Allele origin: germline. Affected: yes.

Literature cited by the submitters: PubMed 23361065 (cited by 3billion).